The following is an entry in ClinVar:

ClinVar aggregate classification (germline): Uncertain significance (1 of 4 stars; one submission).

Conditions:
Inborn genetic diseases. Identifiers: MedGen C0950123, MeSH D030342.

Submission:

Ambry Genetics
Classification: Uncertain significance for Inborn genetic diseases. Last evaluated: 2024-12-27. Review status: criteria provided, single submitter. Criteria: Ambry Variant Classification Scheme 2023. Collection method: clinical testing. Allele origin: germline.
Comment: The p.G955A variant (also known as c.2864G>C), located in coding exon 22 of the BUB1B gene, results from a G to C substitution at nucleotide position 2864. The glycine at codon 955 is replaced by alanine, an amino acid with similar properties. This amino acid position is conserved. In addition, the in silico prediction for this alteration is inconclusive. Based on the available evidence, the clinical significance of this variant remains unclear.

NM_001211.6(BUB1B):c.2864G>C (p.Gly955Ala)

Genes: BUB1B (BUB1 mitotic checkpoint serine/threonine kinase B; plus strand), BUB1B-PAK6 (BUB1B-PAK6 readthrough; plus strand). Cytogenetic location: 15q15.1.
Variant type: single nucleotide variant.
Coding change: c.2864G>C on transcript NM_001211.6 (MANE Select); coding-DNA position 2864, G replaced by C.
Protein change: p.Gly955Ala; replaces glycine 955 with alanine.
Molecular consequence: missense variant. On other transcripts: intron variant (2).
Genome position (GRCh38, 1-based): chr15:40,218,469, G>C. VCF-style: chr15-40218469-G-C. GRCh37 (hg19) VCF-style: chr15-40510670-G-C.
Other names: c.-201+802G>C (NM_001128628.3); c.-118+802G>C (NM_001128629.3); short protein forms G955A.
Identifiers: ClinVar variation 3826060 (VCV003826060.1).
Genomic context (GRCh38, chr15:40,218,469, plus strand): 5'-TAGAGGCAGAGAATTATTTTAGCTGATGGTGCTTTTTGTGATTTCAGGTAGACCTGTTTG[G>C]TATAGCAGATTTAGCACATTTACTATTGTTCAAGGAACACCTACAGGTCTTCTGGGATGG-3'
Protein context (NP_001202.5, residues 945-965): CSSPYQVDLF[Gly955Ala]IADLAHLLLF